The following is an entry in ClinVar:

NM_002691.4(POLD1):c.347C>T (p.Pro116Leu)

Gene: POLD1 (DNA polymerase delta 1, catalytic subunit; plus strand). Cytogenetic location: 19q13.33.
Variant type: single nucleotide variant.
Coding change: c.347C>T on transcript NM_002691.4 (MANE Select); coding-DNA position 347, C replaced by T.
Protein change: p.Pro116Leu; replaces proline 116 with leucine.
Molecular consequence: missense variant. On other transcripts: non-coding transcript variant (1).
Genome position (GRCh38, 1-based): chr19:50,401,808, C>T. VCF-style: chr19-50401808-C-T. GRCh37 (hg19) VCF-style: chr19-50905065-C-T.
Other names: c.347C>T, p.Pro116Leu (NM_001256849.1, NM_001308632.1); c.347C>T (NM_002691.2); short protein forms P116L.
Identifiers: ClinVar variation 1475016 (VCV001475016.9), dbSNP rs2122232562, ClinGen allele CA406972191.
Genomic context (GRCh38, chr19:50,401,808, plus strand): 5'-TGGCCGCTGTCTTACCCTGTGACCCCACAGGCCCAGCGCAGCCTGTGCCTGGGGGGCCCC[C>T]ACCATCCCGCGGCTCCGTGCCTGTGCTCCGCGCCTTCGGGGTCACCGATGAGGGGTTCTC-3'
Protein context (NP_002682.2, residues 106-126): GPAQPVPGGP[Pro116Leu]PSRGSVPVLR

ClinVar aggregate classification (germline): Uncertain significance. Review status: criteria provided, multiple submitters, no conflicts (2 of 4 stars). 2 submissions from 2 submitters: Uncertain significance (2). Last evaluated 2023-09-20.

Conditions:
Hereditary cancer-predisposing syndrome. Also called: Neoplastic Syndromes, Hereditary; Tumor predisposition; Hereditary Cancer Syndrome; Hereditary neoplastic syndrome. Identifiers: Orphanet 140162, MedGen C0027672, MeSH D009386, MONDO:0015356.
POLD1-related polyposis and colorectal cancer syndrome (CRCS10). Also called: Colorectal cancer 10; COLORECTAL CANCER, SUSCEPTIBILITY TO, ON CHROMOSOME 19q; Colorectal cancer, susceptibility to, 10. Identifiers: Orphanet 220460, MedGen C2675481, MONDO:0012953, OMIM 612591.

Submissions (2):

Ambry Genetics
Classification: Uncertain significance for Hereditary cancer-predisposing syndrome. Last evaluated: 2023-09-20. Review status: criteria provided, single submitter. Criteria: Ambry Variant Classification Scheme 2023. Collection method: clinical testing. Allele origin: germline.
Comment: The p.P116L variant (also known as c.347C>T), located in coding exon 3 of the POLD1 gene, results from a C to T substitution at nucleotide position 347. The proline at codon 116 is replaced by leucine, an amino acid with similar properties. This amino acid position is conserved. In addition, this alteration is predicted to be tolerated by in silico analysis. Since supporting evidence is limited at this time, the clinical significance of this alteration remains unclear.

Labcorp Genetics (formerly Invitae), Labcorp
Classification: Uncertain significance for POLD1-related polyposis and colorectal cancer syndrome. Last evaluated: 2021-06-19. Review status: criteria provided, single submitter. Criteria: Invitae Variant Classification Sherloc (09022015). Collection method: clinical testing. Allele origin: germline.
Comment: In summary, the available evidence is currently insufficient to determine the role of this variant in disease. Therefore, it has been classified as a Variant of Uncertain Significance. Algorithms developed to predict the effect of missense changes on protein structure and function output the following: SIFT: "Tolerated"; PolyPhen-2: "Benign"; Align-GVGD: "Class C0". The leucine amino acid residue is found in multiple mammalian species, suggesting that this missense change does not adversely affect protein function. These predictions have not been confirmed by published functional studies and their clinical significance is uncertain. This variant has not been reported in the literature in individuals with POLD1-related conditions. This variant is not present in population databases (ExAC no frequency). This sequence change replaces proline with leucine at codon 116 of the POLD1 protein (p.Pro116Leu). The proline residue is weakly conserved and there is a moderate physicochemical difference between proline and leucine.